The following is an entry in ClinVar:

ClinVar aggregate classification (germline): Conflicting classifications of pathogenicity. Review status: criteria provided, conflicting classifications (1 of 4 stars). 3 submissions from 3 submitters: Pathogenic (1); Likely pathogenic (1); Uncertain significance (1). Last evaluated 2024-11-24.

Conditions:
Pituitary adenoma 5, multiple types. Identifiers: MedGen C4539685, MONDO:0054601, OMIM 617540.

Allele frequency attached by ClinVar (database versions not stated): TOPMed below 0.00001.

Submissions (3):

Baylor Genetics
Classification: Uncertain significance for Pituitary adenoma 5, multiple types. Last evaluated: 2024-11-24. Review status: criteria provided, single submitter. Criteria: ACMG Guidelines, 2015. Collection method: clinical testing. Allele origin: unknown.
Comment: This variant is predicted to disrupt splicing of intron 34 and may lead to skipping of exon 34 which consists of 3 nucleotides.

Labcorp Genetics (formerly Invitae), Labcorp
Classification: Likely pathogenic. Last evaluated: 2022-12-05. Review status: criteria provided, single submitter. Criteria: Invitae Variant Classification Sherloc (09022015). Collection method: clinical testing. Allele origin: germline.
Comment: In summary, the currently available evidence indicates that the variant is pathogenic, but additional data are needed to prove that conclusively. Therefore, this variant has been classified as Likely Pathogenic. This sequence change affects a donor splice site in intron 34 of the CDH23 gene. It is expected to disrupt RNA splicing. Variants that disrupt the donor or acceptor splice site typically lead to a loss of protein function (PMID: 16199547), and loss-of-function variants in CDH23 are known to be pathogenic (PMID: 11138009, 21940737). This variant is not present in population databases (gnomAD no frequency). This variant has not been reported in the literature in individuals affected with CDH23-related conditions. ClinVar contains an entry for this variant (Variation ID: 166813). Algorithms developed to predict the effect of sequence changes on RNA splicing suggest that this variant may disrupt the consensus splice site.

Eurofins Ntd Llc (ga)
Classification: Pathogenic. Last evaluated: 2013-12-27. Review status: criteria provided, single submitter. Criteria: EGL Classification Definitions. Collection method: clinical testing. Allele origin: germline. Observed: 2 variant alleles, 2 heterozygotes.

Literature cited by the submitters: PubMed 16199547 (cited by Labcorp Genetics (formerly Invitae), Labcorp); PubMed 11138009 (cited by Labcorp Genetics (formerly Invitae), Labcorp); PubMed 21940737 (cited by Labcorp Genetics (formerly Invitae), Labcorp).

NM_022124.6(CDH23):c.4209+1G>T

Genes: C10orf105 (chromosome 10 open reading frame 105; minus strand), CDH23 (cadherin related 23; plus strand). Cytogenetic location: 10q22.1.
Variant type: single nucleotide variant.
Coding change: c.4209+1G>T on transcript NM_022124.6 (MANE Select); the canonical splice donor site of the intron after coding-DNA position 4209, G replaced by T.
Molecular consequence: splice donor variant. On other transcripts: intron variant (1).
Genome position (GRCh38, 1-based): chr10:71,734,659, G>T. VCF-style: chr10-71734659-G-T. GRCh37 (hg19) VCF-style: chr10-73494416-G-T.
Other names: c.-6+3069C>A (NM_001168390.2).
Identifiers: ClinVar variation 166813 (VCV000166813.12), dbSNP rs727503841, ClinGen allele CA233647.
Genomic context (GRCh38, chr10:71,734,659, plus strand): 5'-CCATTTGCATCTTTGCCTTTTCTCTCACTCCCCTCCTGCTGCTGCCTCTGCCTACAGAAG[G>T]TGAGTAGCCTGTGGCTGGAGCTTCCCCTGTGCTGTTGGCTGTGGCCAGTGCTGGCCGGGC-3'